The following is an entry in ClinVar:

ClinVar aggregate classification (germline): Uncertain significance. Review status: criteria provided, single submitter (1 of 4 stars). 2 submissions from 2 submitters: Uncertain significance (1). 1 of the submissions does not count toward it. Last evaluated 2025-12-03.

Allele frequency attached by ClinVar (database versions not stated): gnomAD exomes 0.00007 and 0.00006; 1000 Genomes Project 0.00020; gnomAD 0.00004 and 0.00002; 1000 Genomes Project 30x 0.00016; TOPMed 0.00005; ExAC 0.00007.

Submissions (2):

Ambry Genetics
Classification: Uncertain significance. Last evaluated: 2025-12-03. Review status: criteria provided, single submitter. Criteria: Ambry Variant Classification Scheme 2023. Collection method: clinical testing. Allele origin: germline.

Department of Pathology and Laboratory Medicine, Sinai Health System
Classification: Uncertain significance. Review status: no assertion criteria provided. Collection method: clinical testing. Allele origin: unknown. Affected: yes. Study: The Canadian Open Genetics Repository (COGR). Not counted in ClinVar's aggregate classification.
Comment: The ABCA5 p.His651Tyr variant was not identified in the literature nor was it identified in ClinVar, Cosmic or LOVD 3.0. The variant was identified in dbSNP (ID: rs186015974) and in control databases in 18 of 250828 chromosomes at a frequency of 0.00007176 (Genome Aggregation Database March 6, 2019, v2.1.1). The variant was observed in the following populations: East Asian in 9 of 18364 chromosomes (freq: 0.00049), South Asian in 8 of 30598 chromosomes (freq: 0.000262) and European (non-Finnish) in 1 of 113290 chromosomes (freq: 0.000009), but was not observed in the African, Latino, Ashkenazi Jewish, European (Finnish), and Other populations. The variant occurs outside of the splicing consensus sequence and in silico splicing prediction programs (SpliceSiteFinder-like, NNSPLICE, MaxEntScan and GeneSplicer) do not predict a greater than 10% difference in splicing. The p.His651 residue is conserved across mammals but not other organisms. and computational analyses (PolyPhen-2, SIFT, AlignGVGD, BLOSUM, MutationTaster) provide inconsistent predictions regarding the impact to the protein. In summary, based on the above information the clinical significance of this variant cannot be determined with certainty at this time. This variant is classified as a variant of uncertain significance.

NM_172232.4(ABCA5):c.1951C>T (p.His651Tyr)

Gene: ABCA5 (ATP binding cassette subfamily A member 5; minus strand). Cytogenetic location: 17q24.3.
Variant type: single nucleotide variant.
Coding change: c.1951C>T on transcript NM_172232.4 (MANE Select); coding-DNA position 1951, C replaced by T.
Protein change: p.His651Tyr; replaces histidine 651 with tyrosine.
Molecular consequence: missense variant.
Genome position (GRCh38, 1-based): chr17:69,287,703, G>A on the plus strand (C>T on the coding strand, the complement: ABCA5 is on the minus strand). VCF-style: chr17-69287703-G-A. GRCh37 (hg19) VCF-style: chr17-67283844-G-A.
Other names: c.1951C>T (NM_018672.3); c.1951C>T, p.His651Tyr (NM_018672.5); short protein forms H651Y.
Identifiers: ClinVar variation 1050327 (VCV001050327.5), dbSNP rs186015974, ClinGen allele CA8737459.
Genomic context (GRCh38, chr17:69,287,703, plus strand): 5'-GAGTACTGAACACTGTCACCCGATTGGCTTTTCTGTATTTTAAAAGATTCCATACAATAT[G>A]TCGAGAACAGGGGTCCATTCCAGCTGTTGGTTCATCTAGCAGCAGTATCTGTGTGAAAAG-3'
Protein context (NP_758424.1, residues 641-661): PTAGMDPCSR[His651Tyr]IVWNLLKYRK